The following is an entry in ClinVar:

NM_001267550.2(TTN):c.16055-16_16055-14del

Gene: TTN (titin; minus strand). Cytogenetic location: 2q31.2.
Variant type: Microsatellite.
Coding change: c.16055-16_16055-14del on transcript NM_001267550.2 (MANE Select); 16 bases into the intron before coding-DNA position 16055 through 14 bases into the intron before coding-DNA position 16055, 3 bases deleted (CTT; older notation c.16055-16_16055-14delCTT).
Molecular consequence: intron variant.
Genome position (GRCh38, 1-based): chr2:178,733,135-178,733,137, AAG deleted on the plus strand (CTT on the coding strand, the reverse complement: TTN is on the minus strand); deleting any 3 consecutive bases within chr2:178,733,135-178,733,140 gives the same sequence; the c. name uses the placement nearest the transcript's 3' end. VCF-style (leftmost placement, unchanged base first): chr2-178733134-CAAG-C. GRCh37 (hg19) VCF-style: chr2-179597861-CAAG-C.
Other names: c.15104-16_15104-14delCTT (NM_001256850.1); c.13282+4945_13282+4947del (NM_003319.4); c.13858+4945_13858+4947del (NM_133437.4); c.13657+4945_13657+4947del (NM_133432.3); c.12323-16_12323-14del (NM_133378.4); c.15104-16_15104-14del (NM_001256850.1).
Identifiers: ClinVar variation 421600 (VCV000421600.1), dbSNP rs1064795240, ClinGen allele CA16617382.

ClinVar aggregate classification (germline): Likely benign (1 of 4 stars; one submission).

Submission:

GeneDx
Classification: Likely benign. Last evaluated: 2016-07-22. Review status: criteria provided, single submitter. Criteria: GeneDx Variant Classification (06012015). Collection method: clinical testing. Allele origin: germline. Affected: yes.
Comment: This variant is considered likely benign or benign based on one or more of the following criteria: it is a conservative change, it occurs at a poorly conserved position in the protein, it is predicted to be benign by multiple in silico algorithms, and/or has population frequency not consistent with disease.